The following is an entry in ClinVar:

ClinVar aggregate classification (germline): Benign. Review status: reviewed by expert panel (3 of 4 stars). 34 submissions from 34 submitters: Benign (1). 33 of the submissions do not count toward it. Last evaluated 2024-06-11.

Conditions:
BRCA1-related cancer predisposition. Identifiers: MedGen CN377757, MONDO:0700268.
Breast-ovarian cancer, familial, susceptibility to, 1 (BROVCA1). Also called: BRCA1 Hereditary Breast and Ovarian Cancer; OVARIAN CANCER, SUSCEPTIBILITY TO. Identifiers: Orphanet 145, MedGen C2676676, MONDO:0011450, OMIM 604370. Disease mechanism: loss of function.
Fanconi anemia, complementation group S (FANCS). Identifiers: MedGen C4554406, MONDO:0054748, OMIM 617883.
Pancreatic cancer, susceptibility to, 4. Identifiers: Orphanet 1333, MedGen C3280442, MONDO:0013685, OMIM 614320.
Familial cancer of breast. Also called: Hereditary breast cancer; BREAST CANCER, FAMILIAL; hereditary breast carcinoma. Identifiers: Orphanet 227535, MedGen C0346153, MONDO:0016419, OMIM 114480. Disease mechanism: loss of function.
Breast and/or ovarian cancer. Identifiers: MedGen CN221562.
Hereditary cancer-predisposing syndrome. Also called: Neoplastic Syndromes, Hereditary; Tumor predisposition; Hereditary Cancer Syndrome; Hereditary neoplastic syndrome. Identifiers: Orphanet 140162, MedGen C0027672, MeSH D009386, MONDO:0015356.
Hereditary breast ovarian cancer syndrome. Also called: Hereditary breast and ovarian cancer; Hereditary breast and ovarian cancer syndrome; Hereditary breast and ovarian cancer syndrome (HBOC); Hereditary breast and/or ovarian cancer syndrome; Breast and ovarian cancer; BRCA1- and BRCA2-Associated Hereditary Breast and Ovarian Cancer. Identifiers: Orphanet 145, MedGen C0677776, MeSH D061325, MONDO:0003582. Disease mechanism: loss of function.

Allele frequency attached by ClinVar (database versions not stated): gnomAD exomes 0.00252 and 0.00100; TOPMed 0.01048; gnomAD 0.01054 and 0.00983; ExAC 0.00311; 1000 Genomes Project 0.00998; ESP Exome Variant Server 0.01053.
gnomAD v4.1: 3,013 of 1,613,880 alleles (0.19%); highest among the groups gnomAD compares: African/African-American, 3.5%; 55 homozygotes.

Submissions 1 to 15 of 34:

ClinGen ENIGMA BRCA1 and BRCA2 Variant Curation Expert Panel, ClinGen
Classification: Benign for BRCA1-related cancer predisposition. Last evaluated: 2024-06-11. Review status: reviewed by expert panel. Criteria: CSpec BRCA1/2ACMG Rules Specifications V1.0. Collection method: curation. Allele origin: germline. Inheritance: Autosomal dominant inheritance.
Comment: The c.3418A>G variant in BRCA1 is a missense variant predicted to cause substitution of Serine by Glycine at amino acid 1140 (p.Ser1140Gly). The highest non-cancer, non-founder population filter allele frequency in gnomAD v2.1 (exomes only, non-cancer subset, read depth >=20) or gnomAD v3.1 (non-cancer subset, read depth >=20) is 0.03171 in the African/African-American population, which is above the ENIGMA BRCA1/2 VCEP threshold (>0.001) for BA1 (BA1 met). This missense variant is located outside of a key functional domain and was not predicted to alter mRNA splicing using the SpliceAI predictor (score 0.06, score threshold <0.1) (BP1_Strong met). Reported by one calibrated study to exhibit protein function similar to benign control variants (PMID: 32546644) (BS3 met). This variant has been observed in more than 10 individuals with features considered inconsistent with an FA-associated phenotype, and (Likely) Pathogenic variant seen in trans or variant is homozygous (total score 4 points) (BS2 met; Invitae internal contributor). Multifactorial likelihood ratio analysis using clinically calibrated data produced a combined LR for this variant of 0.00029 (based on Co-occurrence LR=0.00029), below the threshold for Very strong benign evidence (LR <0.00285) (BP5_Very strong met; PMID: 16014699). In summary, this variant meets the criteria to be classified as a Benign variant for BRCA1-related cancer predisposition based on the ACMG/AMP criteria applied as specified by the ENIGMA BRCA1/2 VCEP (BA1, BP1_Strong, BS3, BS2, BP5_Very strong).

Labcorp Genetics (formerly Invitae), Labcorp
Classification: Benign for Hereditary breast ovarian cancer syndrome. Last evaluated: 2026-02-04. Review status: criteria provided, single submitter. Criteria: Invitae Variant Classification Sherloc (09022015). Collection method: clinical testing. Allele origin: germline. Not counted in ClinVar's aggregate classification.

CeGaT Center for Human Genetics Tuebingen
Classification: Benign. Last evaluated: 2026-01-01. Review status: criteria provided, single submitter. Criteria: CeGaT Center For Human Genetics Tuebingen Variant Classification Criteria Version 2. Collection method: clinical testing. Allele origin: germline. Affected: yes. Observed: 9 variant alleles. Not counted in ClinVar's aggregate classification.
Comment: BRCA1: BP4, BS1, BS2

ARUP Laboratories, Molecular Genetics and Genomics, ARUP Laboratories
Classification: Benign. Last evaluated: 2025-06-24. Review status: criteria provided, single submitter. Criteria: ARUP Molecular Germline Variant Investigation Process 2024. Collection method: clinical testing. Allele origin: germline. Not counted in ClinVar's aggregate classification.

Center for Genomic Medicine, Rigshospitalet, Copenhagen University Hospital
Classification: Benign. Last evaluated: 2025-03-04. Review status: criteria provided, single submitter. Criteria: ACMG Guidelines, 2015. Collection method: clinical testing. Allele origin: germline. Not counted in ClinVar's aggregate classification.

KCCC/NGS Laboratory, Kuwait Cancer Control Center
Classification: Benign for Breast-ovarian cancer, familial, susceptibility to, 1. Last evaluated: 2023-07-07. Review status: criteria provided, single submitter. Criteria: ACMG Guidelines, 2015. Collection method: clinical testing. Allele origin: germline. Affected: yes. Not counted in ClinVar's aggregate classification.

National Health Laboratory Service, Universitas Academic Hospital and University of the Free State
Classification: Benign for Hereditary breast ovarian cancer syndrome. Last evaluated: 2022-04-19. Review status: criteria provided, single submitter. Criteria: ACMG Guidelines, 2015. Collection method: clinical testing. Allele origin: germline. Affected: yes. Observed: 77 variant alleles. Not counted in ClinVar's aggregate classification.

Genetics Program, Instituto Nacional de Cancer
Classification: Benign for Hereditary breast ovarian cancer syndrome. Last evaluated: 2021-11-01. Review status: criteria provided, single submitter. Criteria: ACMG Guidelines, 2015. Collection method: research. Allele origin: germline. Affected: yes. Not counted in ClinVar's aggregate classification.

Fulgent Genetics
Classification: Likely benign for Familial cancer of breast; Breast-ovarian cancer, familial, susceptibility to, 1; Pancreatic cancer, susceptibility to, 4; Fanconi anemia, complementation group S. Last evaluated: 2021-10-21. Review status: criteria provided, single submitter. Criteria: ACMG Guidelines, 2015. Collection method: clinical testing. Allele origin: unknown. Not counted in ClinVar's aggregate classification.

CHEO Genetics Diagnostic Laboratory, Children's Hospital of Eastern Ontario
Classification: Benign for Breast and/or ovarian cancer. Last evaluated: 2021-07-06. Review status: criteria provided, single submitter. Criteria: ACMG Guidelines, 2015. Collection method: clinical testing. Allele origin: germline. Not counted in ClinVar's aggregate classification.

Sema4
Classification: Benign for Hereditary cancer-predisposing syndrome. Last evaluated: 2020-03-26. Review status: criteria provided, single submitter. Criteria: Sema4 Curation Guidelines. Collection method: curation. Allele origin: germline. Not counted in ClinVar's aggregate classification.

Centre for Mendelian Genomics, University Medical Centre Ljubljana
Classification: Benign for Familial cancer of breast. Last evaluated: 2018-09-25. Review status: criteria provided, single submitter. Criteria: ACMG Guidelines, 2015. Collection method: clinical testing. Allele origin: unknown. Affected: yes. Not counted in ClinVar's aggregate classification.
Comment: This variant was classified as: Benign. The following ACMG criteria were applied in classifying this variant: BS1,BS2.

Illumina Laboratory Services, Illumina
Classification: Likely benign for Breast-ovarian cancer, familial, susceptibility to, 1. Last evaluated: 2018-02-22. Review status: criteria provided, single submitter. Criteria: ICSL Variant Classification Criteria 13 December 2019. Collection method: clinical testing. Allele origin: germline. Not counted in ClinVar's aggregate classification.
Comment: This variant was observed as part of a predisposition screen in an ostensibly healthy population. A literature search was performed for the gene, cDNA change, and amino acid change (where applicable). Publications were found based on this search. The evidence from the literature, in combination with allele frequency data from public databases where available, was sufficient to determine this variant is unlikely to cause disease. Therefore, this variant is classified as likely benign.

PreventionGenetics, part of Exact Sciences
Classification: Benign. Last evaluated: 2017-05-05. Review status: criteria provided, single submitter. Criteria: ACMG Guidelines, 2015. Collection method: clinical testing. Allele origin: germline. Not counted in ClinVar's aggregate classification.

Institute for Biomarker Research, Medical Diagnostic Laboratories, L.L.C.
Classification: Likely benign for Hereditary breast and ovarian cancer syndrome(HBOC). Last evaluated: 2017-02-14. Review status: criteria provided, single submitter. Criteria: ACMG Guidelines, 2015. Collection method: clinical testing. Allele origin: germline. Not counted in ClinVar's aggregate classification.

NM_007294.4(BRCA1):c.3418A>G (p.Ser1140Gly)

Genes: BRCA1 (BRCA1 DNA repair associated; minus strand), LOC126862571 (BRD4-independent group 4 enhancer GRCh37_chr17:41243136-41244335; plus strand). Cytogenetic location: 17q21.31.
Variant type: single nucleotide variant.
Coding change: c.3418A>G on transcript NM_007294.4 (MANE Select); coding-DNA position 3418, A replaced by G.
Protein change: p.Ser1140Gly; replaces serine 1140 with glycine.
Molecular consequence: missense variant. On other transcripts: intron variant (135).
Genome position (GRCh38, 1-based): chr17:43,092,113, T>C on the plus strand (A>G on the coding strand, the complement: BRCA1 is on the minus strand). VCF-style: chr17-43092113-T-C. GRCh37 (hg19) VCF-style: chr17-41244130-T-C.
Other names: NM_007294.4(BRCA1):c.3418A>G; c.3205A>G, p.Ser1069Gly (NM_001407571.1, NM_001407853.1, NM_001407894.1 and 9 more transcripts); c.3418A>G, p.Ser1140Gly (NM_001407581.1, NM_001407582.1, NM_001407583.1 and 30 more transcripts); c.3415A>G, p.Ser1139Gly (NM_001407587.1, NM_001407590.1, NM_001407591.1 and 22 more transcripts); c.3409A>G, p.Ser1137Gly (NM_001407646.1, NM_001407647.1); c.3295A>G, p.Ser1099Gly (NM_001407648.1, NM_001407664.1, NM_001407665.1 and 19 more transcripts); c.3292A>G, p.Ser1098Gly (NM_001407649.1, NM_001407670.1, NM_001407671.1 and 11 more transcripts); c.3340A>G, p.Ser1114Gly (NM_001407653.1, NM_001407654.1, NM_001407655.1 and 4 more transcripts); and 42 more; short protein forms S1140G, S1093G, S1029G, S1051G, S1069G, S1092G, S1114G, S972G.
Identifiers: ClinVar variation 41817 (VCV000041817.120), dbSNP rs2227945, ClinGen allele CA002212.